The following is an entry in ClinVar:

NM_002485.5(NBN):c.698_701del (p.Lys233fs)

Gene: NBN (nibrin; minus strand). Cytogenetic location: 8q21.3.
Variant type: Deletion.
Coding change: c.698_701del on transcript NM_002485.5 (MANE Select); coding-DNA positions 698 to 701, 4 bases deleted (AACA; older notation c.698_701delAACA).
Protein change: p.Lys233fs; shifts the reading frame from lysine 233.
Molecular consequence: frameshift variant.
Genome position (GRCh38, 1-based): chr8:89,971,174-89,971,177, TGTT deleted on the plus strand (AACA on the coding strand, the reverse complement: NBN is on the minus strand); deleting any 4 consecutive bases within chr8:89,971,174-89,971,179 gives the same sequence; the c. name uses the placement nearest the transcript's 3' end. VCF-style (leftmost placement, unchanged base first): chr8-89971173-CTGTT-C. GRCh37 (hg19) VCF-style: chr8-90983401-CTGTT-C.
Other names: c.452_455del, p.Lys151fs (NM_001024688.3); c.698_701delAACA (NM_002485.4); short protein forms K151fs.
Identifiers: ClinVar variation 127878 (VCV000127878.64), dbSNP rs587780100, ClinGen allele CA287949.
Genomic context (GRCh38, chr8:89,971,173, plus strand): 5'-AATAATGTATCCTAGTTTGTAATGTATTCTTTAGGAAAATTTAGCTTATAACATAATTAC[CTGTT>C]TGGCATTCAAAAATATAAATGTTTTCCCTTTGAAGATTTGTTTTCTTTCCTGCCGTCCTG-3'

ClinVar aggregate classification (germline): Pathogenic. Review status: criteria provided, multiple submitters, no conflicts (2 of 4 stars). 15 submissions from 15 submitters: Pathogenic (11). 4 of the submissions do not count toward it. Last evaluated 2026-01-12.

Conditions:
NBN-related disorder. Also called: NBN-related condition.
Acute lymphoid leukemia (ALL). Also called: Leukemia, acute lymphoblastic, somatic; Acute lymphoblastic leukemia; Acute lymphocytic leukemia; Lymphoblastic leukemia. Identifiers: Orphanet 513, MedGen C0023449, MONDO:0004967, OMIM 613065, HP:0006721.
Aplastic anemia. Identifiers: Orphanet 182040, Orphanet 88, MedGen C0002874, MONDO:0015909, OMIM 609135, HP:0001915.
Microcephaly, normal intelligence and immunodeficiency (NBS). Also called: Immunodeficiency, microcephaly with normal intelligence; Ataxia telangiectasia variant V1; IMMUNODEFICIENCY, MICROCEPHALY, AND CHROMOSOMAL INSTABILITY; SEEMANOVA SYNDROME II; Nijmegen breakage syndrome; Microcephaly with normal intelligence immunodeficiency and lymphoreticular malignancies. Identifiers: Orphanet 647, MedGen C0398791, MONDO:0009623, OMIM 251260.
Hereditary cancer-predisposing syndrome. Also called: Tumor predisposition; Hereditary neoplastic syndrome; Neoplastic Syndromes, Hereditary; Hereditary Cancer Syndrome. Identifiers: Orphanet 140162, MedGen C0027672, MeSH D009386, MONDO:0015356.
Malignant tumor of breast. Also called: Malignant breast neoplasm; Cancer breast. Identifiers: MedGen C0006142, MONDO:0007254. Disease mechanism: loss of function.

Submissions 1 to 11 of 15:

Labcorp Genetics (formerly Invitae), Labcorp
Classification: Pathogenic for Microcephaly, normal intelligence and immunodeficiency. Last evaluated: 2026-01-12. Review status: criteria provided, single submitter. Criteria: Invitae Variant Classification Sherloc (09022015). Collection method: clinical testing. Allele origin: germline.
Comment: This sequence change creates a premature translational stop signal (p.Lys233Serfs*5) in the NBN gene. It is expected to result in an absent or disrupted protein product. Loss-of-function variants in NBN are known to be pathogenic (PMID: 9590180, 16415040). This variant is present in population databases (rs587780100, gnomAD 0.007%). This premature translational stop signal has been observed in individual(s) with Nijmegen breakage syndrome (NBS), and breast/ovarian cancer (PMID: 9590180, 15474156, 26315354, 26534844). This variant is also known as 698del4. ClinVar contains an entry for this variant (Variation ID: 127878). For these reasons, this variant has been classified as Pathogenic.

Natera, Inc.
Classification: Pathogenic for Nijmegen breakage syndrome. Last evaluated: 2025-06-30. Review status: criteria provided, single submitter. Criteria: Natera Variant Classification Schema (03/2026). Collection method: clinical testing. Allele origin: germline.
Comment: The c.698_701delAACA variant in NBN is a frameshift variant predicted to shift the reading frame beginning at codon 233 and leads to a stop codon 5 codons downstream. This variant is expected to result in nonsense mediated decay, truncation, or a dysfunctional protein product. This variant is rare in the general population with a frequency below the threshold expected for the associated phenotype(s). This variant has been observed in one or more individuals affected with the associated recessive disease, as either homozygous or compound heterozygous with a second variant (PMID: 15474156, 9590180). Given the available evidence, this variant is classified as Pathogenic.

Ambry Genetics
Classification: Pathogenic for Hereditary cancer-predisposing syndrome. Last evaluated: 2024-07-05. Review status: criteria provided, single submitter. Criteria: Ambry Variant Classification Scheme 2023. Collection method: clinical testing. Allele origin: germline.
Comment: The c.698_701delAACA pathogenic mutation, located in coding exon 6 of the NBN gene, results from a deletion of 4 nucleotides at nucleotide positions 698 to 701, causing a translational frameshift with a predicted alternate stop codon (p.K233Sfs*5). This alteration was detected in a series of individuals with Nijmegen breakage syndrome (NBS) (Varon R et al. Cell. 1998 May;93:467-76). In addition to the clinical data presented in the literature, this alteration is expected to result in loss of function by premature protein truncation or nonsense-mediated mRNA decay. As such, this alteration is interpreted as a disease-causing mutation.

Quest Diagnostics Nichols Institute San Juan Capistrano
Classification: Pathogenic. Last evaluated: 2024-05-10. Review status: criteria provided, single submitter. Criteria: Quest Diagnostics criteria. Collection method: clinical testing. Allele origin: unknown.
Comment: The NBN c.698_701del (p.Lys233Serfs*5) variant alters the translational reading frame of the NBN mRNA and causes the premature termination of NBN protein synthesis. This variant has been reported in the published literature in reported in the biallelic state in multiple individuals with Nijmegen breakage syndrome (PMID 9590180 (1998), 10799436 (2000), 15474156 (2004)), as well as in the heterozygous state in multiple individuals with prostate cancer (PMID: 29915322 (2018)), pancreatic cancer (PMID: 29961768 (2019)), lung cancer (PMID: 26681312 (2015)), ovarian cancer (PMID: 26315354 (2015), PMID: 28888541 (2017)), and breast cancer and skin cancers (PMID: 28374160 (2017), 30043523 (2018)). The frequency of this variant in the general population, 0.000065 (2/30740 chromosomes (Genome Aggregation Database)), is consistent with pathogenicity. Based on the available information, this variant is classified as pathogenic.

CeGaT Center for Human Genetics Tuebingen
Classification: Pathogenic. Last evaluated: 2024-04-01. Review status: criteria provided, single submitter. Criteria: CeGaT Center For Human Genetics Tuebingen Variant Classification Criteria Version 2. Collection method: clinical testing. Allele origin: germline. Affected: yes. Observed: 1 variant allele.
Comment: NBN: PVS1, PS4:Moderate, PM2:Supporting

Baylor Genetics
Classification: Pathogenic for Aplastic anemia. Last evaluated: 2024-03-25. Review status: criteria provided, single submitter. Criteria: ACMG Guidelines, 2015. Collection method: clinical testing. Allele origin: unknown.

Fulgent Genetics
Classification: Pathogenic for Microcephaly, normal intelligence and immunodeficiency; Aplastic anemia; Acute lymphoid leukemia. Last evaluated: 2024-02-22. Review status: criteria provided, single submitter. Criteria: ACMG Guidelines, 2015. Collection method: clinical testing. Allele origin: germline.

GeneDx
Classification: Pathogenic. Last evaluated: 2023-09-27. Review status: criteria provided, single submitter. Criteria: GeneDx Variant Classification Process June 2021. Collection method: clinical testing. Allele origin: germline. Affected: yes.
Comment: Frameshift variant predicted to result in protein truncation or nonsense mediated decay in a gene for which loss-of-function is a known mechanism of disease; Not observed at significant frequency in large population cohorts (gnomAD); Also known as NBS1 698del4; This variant is associated with the following publications: (PMID: 9590180, 26681312, 24072268, 29915322, 31948886, 26315354, 26534844, 23149842, 27038244, 28374160, 28152038, 30043523, 29961768, 29625052, 26689913, 35626031, 34326862, 33804961, 32427313, 29922827, 32885271, 32338768, 28888541, 36451132, 36623239, 15474156)

Genome-Nilou Lab
Classification: Pathogenic for Microcephaly, normal intelligence and immunodeficiency. Last evaluated: 2021-11-07. Review status: criteria provided, single submitter. Criteria: ACMG Guidelines, 2015. Collection method: clinical testing. Allele origin: germline. Affected: no.

Women's Health and Genetics/Laboratory Corporation of America, LabCorp
Classification: Pathogenic for Microcephaly, normal intelligence and immunodeficiency. Last evaluated: 2018-08-03. Review status: criteria provided, single submitter. Criteria: LabCorp Variant Classification Summary - May 2015. Collection method: clinical testing. Allele origin: germline.
Comment: Variant summary: NBN c.698_701delAACA (p.Lys233SerfsX5) results in a premature termination codon, predicted to cause a truncation of the encoded protein or absence of the protein due to nonsense mediated decay, which are commonly known mechanisms for disease. The variant allele was found at a frequency of 2e-05 in 252006 control chromosomes (gnomAD). The variant, c.698_701delAACA, has been reported in the literature in individuals affected with Hereditary Breast and Ovarian Cancer and Nijmegen Breakage Syndrome (Varon_1998, Gass_2017, Ramus_2015, Li_2015, Susswein_2016). These data indicate that the variant may be associated with disease. To our knowledge, no experimental evidence demonstrating an impact on protein function has been reported. Six clinical diagnostic laboratories have submitted clinical-significance assessments for this variant to ClinVar after 2014 without evidence for independent evaluation. All laboratories classified the variant as pathogenic. Based on the evidence outlined above, the variant was classified as pathogenic.

Genetic Services Laboratory, University of Chicago
Classification: Pathogenic for Nijmegen breakage syndrome. Last evaluated: 2015-03-05. Review status: criteria provided, single submitter. Criteria: ACMG Guidelines, 2015. Collection method: clinical testing. Allele origin: germline. Affected: yes.